The following is an entry in ClinVar:

ClinVar aggregate classification (germline): Pathogenic (1 of 4 stars; one submission).

Conditions:
Fumarase deficiency (FMRD). Also called: Fumarate Hydratase Deficiency; Fumaric aciduria. Identifiers: Orphanet 24, MedGen C0342770, MONDO:0011730, OMIM 606812.

Submission:

Labcorp Genetics (formerly Invitae), Labcorp
Classification: Pathogenic for Fumarase deficiency. Last evaluated: 2016-11-09. Review status: criteria provided, single submitter. Criteria: Invitae Variant Classification Sherloc (09022015). Collection method: clinical testing. Allele origin: germline.
Comment: This variant is a gross deletion of the genomic region encompassing exons 7-10 of the FH gene. The 5' boundary is likely confined to intron 6. The 3' end of this event is unknown as it extends through the termination codon beyond the assayed region for this gene and may encompass additional genes. While this deletion is not anticipated to result in nonsense mediated decay, it is expected to create a truncated FH protein. While this particular gross deletion has not been reported in the literature, loss-of-function variants in FH are known to be pathogenic (PMID: 11865300, 21398687). Although no functional studies have been performed to test the effect of this particular deletion on FH protein function or stability, several downstream truncating variants have been reported as pathogenic, including a truncating variant (p.Ser480Lysfs*6) disrupting the last 31 amino acids that has been observed in an individual with hereditary leiomyomatosis and renal cell cancer (HLRCC) (PMID: 16881969, 26296701, Invitae). This suggests that C-terminal of the FH protein is critical for the proper protein function. For these reasons, this variant has been classified as Pathogenic.

NC_000001.11:g.(?_241497557)_(241504245_?)del

Gene: FH (fumarate hydratase; minus strand). Cytogenetic location: 1q43.
Variant type: Deletion.
Identifiers: ClinVar variation 417362 (VCV000417362.1).